The following is an entry in ClinVar:

NM_002448.3(MSX1):c.117G>A (p.Thr39=)

Genes: MSX1 (msh homeobox 1; plus strand), LOC129992137 (ATAC-STARR-seq lymphoblastoid silent region 15219; plus strand). Cytogenetic location: 4p16.2.
Variant type: single nucleotide variant.
Coding change: c.117G>A on transcript NM_002448.3 (MANE Select); coding-DNA position 117, G replaced by A.
Protein change: p.Thr39=; no amino-acid change (threonine 39 retained).
Molecular consequence: synonymous variant.
Genome position (GRCh38, 1-based): chr4:4,860,016, G>A. VCF-style: chr4-4860016-G-A. GRCh37 (hg19) VCF-style: chr4-4861743-G-A.
Identifiers: ClinVar variation 4997352 (VCV004997352.1).
Genomic context (GRCh38, chr4:4,860,016, plus strand): 5'-CGCCTTCGGCAAGCCGGCGGGGGGAGGCGCGGGCCAGGCCCCCAGCGCCGCCGCGGCCAC[G>A]GCAGCCGCCATGGGCGCGGACGAGGAGGGGGCCAAGCCCAAAGTGTCCCCTTCGCTCCTG-3'
Protein context (NP_002439.2, residues 29-49): AGQAPSAAAA[Thr39=]AAAMGADEEG

ClinVar aggregate classification (germline): Likely benign (1 of 4 stars; one submission).

Conditions:
MSX1-related disorder. Also called: MSX1-related condition.

Submission:

PreventionGenetics, part of Exact Sciences
Classification: Likely benign for MSX1-related condition. Last evaluated: 2024-11-26. Review status: criteria provided, single submitter. Criteria: ACMG Guidelines, 2015. Collection method: clinical testing. Allele origin: germline.
Comment: This variant is classified as likely benign based on ACMG/AMP sequence variant interpretation guidelines (Richards et al. 2015 PMID: 25741868, with internal and published modifications).